The following is an entry in ClinVar:

ClinVar aggregate classification (germline): Conflicting classifications of pathogenicity. Review status: criteria provided, conflicting classifications (1 of 4 stars). 2 submissions from 2 submitters: Uncertain significance (1); Likely benign (1). Last evaluated 2024-12-30.

Conditions:
Intellectual developmental disorder, autosomal dominant 1. Also called: MBD5 Haploinsufficiency; Intellectual disability, autosomal dominant 1. Identifiers: Orphanet 228402, MedGen C1969562, MONDO:0007974, OMIM 156200.

Allele frequency attached by ClinVar (database versions not stated): gnomAD exomes below 0.00001.
gnomAD v4.1: 1 of 1,613,816 alleles (0.000062%); highest among the groups gnomAD compares: Non-Finnish European, 0.000085%; no homozygotes.

Submissions (2):

Labcorp Genetics (formerly Invitae), Labcorp
Classification: Uncertain significance for Intellectual developmental disorder, autosomal dominant 1. Last evaluated: 2024-12-30. Review status: criteria provided, single submitter. Criteria: Invitae Variant Classification Sherloc (09022015). Collection method: clinical testing. Allele origin: germline.
Comment: This sequence change replaces isoleucine, which is neutral and non-polar, with threonine, which is neutral and polar, at codon 323 of the MBD5 protein (p.Ile323Thr). This variant is not present in population databases (gnomAD no frequency). This variant has not been reported in the literature in individuals affected with MBD5-related conditions. ClinVar contains an entry for this variant (Variation ID: 1200871). Invitae Evidence Modeling of protein sequence and biophysical properties (such as structural, functional, and spatial information, amino acid conservation, physicochemical variation, residue mobility, and thermodynamic stability) indicates that this missense variant is not expected to disrupt MBD5 protein function with a negative predictive value of 80%. In summary, the available evidence is currently insufficient to determine the role of this variant in disease. Therefore, it has been classified as a Variant of Uncertain Significance.

GeneDx
Classification: Likely benign. Last evaluated: 2020-07-07. Review status: criteria provided, single submitter. Criteria: GeneDx Variant Classification Process June 2021. Collection method: clinical testing. Allele origin: germline. Affected: yes.
Comment: Not observed in large population cohorts (Lek et al., 2016); In silico analysis supports that this missense variant does not alter protein structure/function; Has not been previously published as pathogenic or benign to our knowledge

NM_001378120.1(MBD5):c.968T>C (p.Ile323Thr)

Gene: MBD5 (methyl-CpG binding domain protein 5; plus strand). Cytogenetic location: 2q23.1.
Variant type: single nucleotide variant.
Coding change: c.968T>C on transcript NM_001378120.1 (MANE Select); coding-DNA position 968, T replaced by C.
Protein change: p.Ile323Thr; replaces isoleucine 323 with threonine.
Molecular consequence: missense variant.
Genome position (GRCh38, 1-based): chr2:148,468,911, T>C. VCF-style: chr2-148468911-T-C. GRCh37 (hg19) VCF-style: chr2-149226480-T-C.
Other names: c.968T>C, p.Ile323Thr (NM_018328.5); short protein forms I323T.
Identifiers: ClinVar variation 1200871 (VCV001200871.5), dbSNP rs2105627859, ClinGen allele CA348718098.
Genomic context (GRCh38, chr2:148,468,911, plus strand): 5'-TGACTACAAAGAGTCCAGTAATGAAAAAACCAATGTGTAATTTTTCAACTAATATGGAAA[T>C]ACCACGAGCAATGTTCCACCACAAACCACCCCAAGGCCCACCTCCCCCTCCTCCACCTTC-3'
Protein context (NP_001365049.1, residues 313-333): PMCNFSTNME[Ile323Thr]PRAMFHHKPP